The following is an entry in ClinVar:

NM_000112.4(SLC26A2):c.*2476T>C

Gene: SLC26A2 (solute carrier family 26 member 2; plus strand). Cytogenetic location: 5q32.
Variant type: single nucleotide variant.
Coding change: c.*2476T>C on transcript NM_000112.4 (MANE Select); 2476 bases downstream of the stop codon, T replaced by C.
Molecular consequence: 3 prime UTR variant.
Genome position (GRCh38, 1-based): chr5:149,984,289, T>C. VCF-style: chr5-149984289-T-C. GRCh37 (hg19) VCF-style: chr5-149363852-T-C.
Identifiers: ClinVar variation 904488 (VCV000904488.4), dbSNP rs570682108, ClinGen allele CA129085594.

ClinVar aggregate classification (germline): Conflicting classifications of pathogenicity. Review status: criteria provided, conflicting classifications (1 of 4 stars). 5 submissions from 1 submitter: Uncertain significance (3); Likely benign (2). Last evaluated 2018-01-13.

Conditions:
Sulfate transporter-related osteochondrodysplasia. Also called: DTDST-related dysplasias. Identifiers: MedGen CN120497. Disease mechanism: loss of function.
Achondrogenesis, type IB (ACG1B). Also called: Achondrogenesis Type 1B. Identifiers: Orphanet 932, Orphanet 93298, MedGen C0265274, MONDO:0010966, OMIM 600972.
Atelosteogenesis type II (AO2). Also called: Neonatal osseous dysplasia 1; NEONATAL OSSEOUS DYSPLASIA I; SLC26A2-Related Atelosteogenesis. Identifiers: Orphanet 56304, MedGen C1850554, MONDO:0009727, OMIM 256050.
Multiple epiphyseal dysplasia type 4 (EDM4). Also called: SLC26A2-Related Multiple Epiphyseal Dysplasia; MULTIPLE EPIPHYSEAL DYSPLASIA WITH BILAYERED PATELLAE; MULTIPLE EPIPHYSEAL DYSPLASIA WITH CLUBFOOT; MULTIPLE EPIPHYSEAL DYSPLASIA, AUTOSOMAL RECESSIVE; Multiple Epiphyseal Dysplasia, Recessive. Identifiers: Orphanet 93307, MedGen C1847593, MONDO:0009189, OMIM 226900.
Diastrophic dysplasia (DTD). Also called: Diastrophic dwarfism. Identifiers: Orphanet 628, MedGen C0220726, MONDO:0009107, OMIM 222600.

Allele frequency attached by ClinVar (database versions not stated): gnomAD below 0.00001 and 0.00011; TOPMed 0.00003; 1000 Genomes Project 30x 0.00047; 1000 Genomes Project 0.00060.

Submissions (5):

Illumina Laboratory Services, Illumina
Classification: Uncertain significance for Diastrophic dysplasia. Last evaluated: 2018-01-13. Review status: criteria provided, single submitter. Criteria: ICSL Variant Classification Criteria 13 December 2019. Collection method: clinical testing. Allele origin: germline.

Illumina Laboratory Services, Illumina
Classification: Likely benign for Atelosteogenesis type II. Last evaluated: 2018-01-13. Review status: criteria provided, single submitter. Criteria: ICSL Variant Classification Criteria 13 December 2019. Collection method: clinical testing. Allele origin: germline.
Comment: This variant was observed in the ICSL laboratory as part of a predisposition screen in an ostensibly healthy population. It had not been previously curated by ICSL or reported in the Human Gene Mutation Database (HGMD: prior to June 1st, 2018), and was therefore a candidate for classification through an automated scoring system. Utilizing variant allele frequency, disease prevalence and penetrance estimates, and inheritance mode, an automated score was calculated to assess if this variant is too frequent to cause the disease. Based on the score and internal cut-off values, a variant classified as likely benign is not then subjected to further curation. The score for this variant resulted in a classification of likely benign for this disease.

Illumina Laboratory Services, Illumina
Classification: Likely benign for Achondrogenesis, type IB. Last evaluated: 2018-01-13. Review status: criteria provided, single submitter. Criteria: ICSL Variant Classification Criteria 13 December 2019. Collection method: clinical testing. Allele origin: germline.
Comment: the same text as in the submission from Illumina Laboratory Services, Illumina above.

Illumina Laboratory Services, Illumina
Classification: Uncertain significance for Multiple epiphyseal dysplasia type 4. Last evaluated: 2018-01-13. Review status: criteria provided, single submitter. Criteria: ICSL Variant Classification Criteria 13 December 2019. Collection method: clinical testing. Allele origin: germline.

Illumina Laboratory Services, Illumina
Classification: Uncertain significance for Osteochondrodysplasia. Last evaluated: 2018-01-13. Review status: criteria provided, single submitter. Criteria: ICSL Variant Classification Criteria 13 December 2019. Collection method: clinical testing. Allele origin: germline.